The following is an entry in ClinVar:

ClinVar aggregate classification (germline): Likely benign (1 of 4 stars; one submission).

Submission:

CeGaT Center for Human Genetics Tuebingen
Classification: Likely benign. Last evaluated: 2026-09-01. Review status: criteria provided, single submitter. Criteria: CeGaT Center For Human Genetics Tuebingen Variant Classification Criteria Version 2. Collection method: clinical testing. Allele origin: germline. Affected: yes. Observed: 2 variant alleles.
Comment: SMARCC2: BP4, BP7

NM_001330288.2(SMARCC2):c.3675C>T (p.Pro1225=)

Gene: SMARCC2 (SWI/SNF related BAF chromatin remodeling complex subunit C2; minus strand). Cytogenetic location: 12q13.2.
Variant type: single nucleotide variant.
Coding change: c.3675C>T on transcript NM_001330288.2 (MANE Select); coding-DNA position 3675, C replaced by T.
Protein change: p.Pro1225=; no amino-acid change (proline 1225 retained).
Molecular consequence: synonymous variant.
Genome position (GRCh38, 1-based): chr12:56,163,752, G>A on the plus strand (C>T on the coding strand, the complement: SMARCC2 is on the minus strand). VCF-style: chr12-56163752-G-A. GRCh37 (hg19) VCF-style: chr12-56557536-G-A.
Other names: c.3396C>T, p.Pro1132= (NM_001130420.3); c.3582C>T, p.Pro1194= (NM_003075.5); c.3330C>T, p.Pro1110= (NM_139067.4).
Identifiers: ClinVar variation 3771509 (VCV003771509.13).
Genomic context (GRCh38, chr12:56,163,752, plus strand): 5'-CTGTGGAGGTGGCACAGGGGTGACCGTGCCTGGGCTCGGGGCTGTGGGGTCTGGAGGCAG[G>A]GGGGTGCCTGGGTCTGTGGAGAAAAGGAAGATAAATCAGTTAGAGTACGCCGGAGAGATG-3'
Protein context (NP_001317217.1, residues 1215-1235): SASPLPDPGT[Pro1225=]LPPDPTAPSP